The following is an entry in ClinVar:

NM_000038.6(APC):c.135+7A>G

Gene: APC (APC regulator of Wnt signaling pathway; plus strand). Cytogenetic location: 5q22.2.
Variant type: single nucleotide variant.
Coding change: c.135+7A>G on transcript NM_000038.6 (MANE Select); 7 bases into the intron after coding-DNA position 135, A replaced by G.
Molecular consequence: intron variant.
Genome position (GRCh38, 1-based): chr5:112,755,032, A>G. VCF-style: chr5-112755032-A-G. GRCh37 (hg19) VCF-style: chr5-112090729-A-G.
Other names: c.135+7A>G (NM_001354895.2, NM_001127510.3, NM_001354896.2 and 2 more transcripts); c.166-11294A>G (NM_001354897.2, NM_001354902.2, NM_001127511.3); c.61-11294A>G (NM_001354898.2, NM_001354904.2); c.-901+7A>G (NM_001354906.2); c.-42-11294A>G (NM_001354900.2, NM_001354901.2, NM_001354905.2).
Identifiers: ClinVar variation 1130754 (VCV001130754.11), dbSNP rs2149738976, ClinGen allele CA2499217409.
Genomic context (GRCh38, chr5:112,755,032, plus strand): 5'-GAAGATAATTCCAATCATCTTACAAAACTGGAAACTGAGGCATCTAATATGAAGGTATCA[A>G]GACTGTGACTTTTAATTGTAGTTTATCCATTTTTATTCAGTATTCCCTCTTGTAAACTTG-3'

ClinVar aggregate classification (germline): Likely benign. Review status: criteria provided, multiple submitters, no conflicts (2 of 4 stars). 2 submissions from 2 submitters: Likely benign (2). Last evaluated 2025-12-17.

Conditions:
Familial adenomatous polyposis 1 (FAP1). Also called: FAMILIAL ADENOMATOUS POLYPOSIS 1, ATTENUATED; POLYPOSIS, ADENOMATOUS INTESTINAL. Identifiers: MedGen C2713442, MONDO:0021056, OMIM 175100. Disease mechanism: loss of function.

Submissions (2):

Labcorp Genetics (formerly Invitae), Labcorp
Classification: Likely benign for Familial adenomatous polyposis 1. Last evaluated: 2025-12-17. Review status: criteria provided, single submitter. Criteria: Invitae Variant Classification Sherloc (09022015). Collection method: clinical testing. Allele origin: germline.

Myriad Genetics, Inc.
Classification: Likely benign for Familial adenomatous polyposis 1. Last evaluated: 2024-02-22. Review status: criteria provided, single submitter. Criteria: Myriad Autosomal Dominant, Autosomal Recessive and X-Linked Classification Criteria (2023). Collection method: clinical testing. Allele origin: unknown.
Comment: This variant is considered likely benign. This variant is intronic and is not expected to impact mRNA splicing.